The following is an entry in ClinVar:

ClinVar aggregate classification (germline): Pathogenic (1 of 4 stars; one submission).

Submission:

Labcorp Genetics (formerly Invitae), Labcorp
Classification: Pathogenic. Last evaluated: 2025-01-06. Review status: criteria provided, single submitter. Criteria: Invitae Variant Classification Sherloc (09022015). Collection method: clinical testing. Allele origin: germline.
Comment: This sequence change creates a premature translational stop signal (p.Trp197*) in the MAP3K20 gene. It is expected to result in an absent or disrupted protein product. Loss-of-function variants in MAP3K20 are known to be pathogenic (PMID: 27816943). This variant is not present in population databases (gnomAD no frequency). This variant has not been reported in the literature in individuals affected with MAP3K20-related conditions. For these reasons, this variant has been classified as Pathogenic.

Literature cited by the submitters: PubMed 27816943.

NM_016653.3(MAP3K20):c.591G>A (p.Trp197Ter)

Genes: MAP3K20 (mitogen-activated protein kinase kinase kinase 20; plus strand), MAP3K20-AS1 (MAP3K20 antisense RNA 1; minus strand). Cytogenetic location: 2q31.1.
Variant type: single nucleotide variant.
Coding change: c.591G>A on transcript NM_016653.3 (MANE Select); coding-DNA position 591, G replaced by A.
Protein change: p.Trp197Ter; replaces tryptophan 197 with a stop codon.
Molecular consequence: nonsense. On other transcripts: non-coding transcript variant (1).
Genome position (GRCh38, 1-based): chr2:173,198,034, G>A. VCF-style: chr2-173198034-G-A. GRCh37 (hg19) VCF-style: chr2-174062762-G-A.
Other names: c.591G>A, p.Trp197Ter (NM_133646.3); short protein forms W197*.
Identifiers: ClinVar variation 3728574 (VCV003728574.2).